The following is an entry in ClinVar:

NM_000138.5(FBN1):c.3887G>A (p.Cys1296Tyr)

Gene: FBN1 (fibrillin 1; minus strand). Cytogenetic location: 15q21.1.
Variant type: single nucleotide variant.
Coding change: c.3887G>A on transcript NM_000138.5 (MANE Select); coding-DNA position 3887, G replaced by A.
Protein change: p.Cys1296Tyr; replaces cysteine 1296 with tyrosine.
Molecular consequence: missense variant.
Genome position (GRCh38, 1-based): chr15:48,481,732, C>T on the plus strand (G>A on the coding strand, the complement: FBN1 is on the minus strand). VCF-style: chr15-48481732-C-T. GRCh37 (hg19) VCF-style: chr15-48773929-C-T.
Other names: c.3887G>A, p.Cys1296Tyr (NM_001406716.1); short protein forms C1296Y.
Identifiers: ClinVar variation 3754077 (VCV003754077.2).

ClinVar aggregate classification (germline): Likely pathogenic (1 of 4 stars; one submission).

Conditions:
Marfan syndrome (MFS). Also called: MARFAN SYNDROME, TYPE I; Marfan syndrome type 1; Marfan's syndrome; Marfan syndrome, classic; FBN1-Related Marfan Syndrome. Identifiers: Orphanet 284963, Orphanet 558, MedGen C0024796, MONDO:0007947, OMIM 154700.
Familial thoracic aortic aneurysm and aortic dissection (TAAD). Also called: Thoracic aortic aneurysms and dissections. Identifiers: Orphanet 91387, MedGen C4707243, MONDO:0019625.

Submission:

Labcorp Genetics (formerly Invitae), Labcorp
Classification: Likely pathogenic for Marfan syndrome; Familial thoracic aortic aneurysm and aortic dissection. Last evaluated: 2024-07-31. Review status: criteria provided, single submitter. Criteria: Invitae Variant Classification Sherloc (09022015). Collection method: clinical testing. Allele origin: germline.
Comment: This sequence change replaces cysteine, which is neutral and slightly polar, with tyrosine, which is neutral and polar, at codon 1296 of the FBN1 protein (p.Cys1296Tyr). This variant is not present in population databases (gnomAD no frequency). This variant has not been reported in the literature in individuals affected with FBN1-related conditions. Advanced modeling of protein sequence and biophysical properties (such as structural, functional, and spatial information, amino acid conservation, physicochemical variation, residue mobility, and thermodynamic stability) performed at Invitae indicates that this missense variant is expected to disrupt FBN1 protein function with a positive predictive value of 95%. This variant affects a cysteine residue in the EGF-like, TGFBP or hybrid motif domains of FBN1. Cysteine residues are believed to be involved in intramolecular disulfide bridges and have been shown to be important for FBN1 protein structure (PMID: 16905551, 19349279). In addition, missense substitutions affecting cysteine residues within these domains are significantly overrepresented among patients with Marfan syndrome (PMID: 16571647, 17701892). This variant disrupts the p.Cys1296 amino acid residue in FBN1. Other variant(s) that disrupt this residue have been observed in individuals with FBN1-related conditions (PMID: 25907466; Invitae), which suggests that this may be a clinically significant amino acid residue. In summary, the currently available evidence indicates that the variant is pathogenic, but additional data are needed to prove that conclusively. Therefore, this variant has been classified as Likely Pathogenic.

Literature cited by the submitters: PubMed 16905551; PubMed 19349279; PubMed 16571647; PubMed 17701892; PubMed 25907466.